The following is an entry in ClinVar:

ClinVar aggregate classification (germline): Likely pathogenic (1 of 4 stars; one submission).

Conditions:
Polycystic kidney disease 4 (PKD4). Also called: POLYCYSTIC KIDNEY AND HEPATIC DISEASE 1; POLYCYSTIC KIDNEY DISEASE, INFANTILE, TYPE I; PKD3; Autosomal Recessive Polycystic Kidney Disease – PKHD1; POLYCYSTIC KIDNEY DISEASE 4 WITH OR WITHOUT POLYCYSTIC LIVER DISEASE. Identifiers: MedGen C4540575, MONDO:0033004, OMIM 263200.

Submission:

Juno Genomics, Hangzhou Juno Genomics, Inc
Classification: Likely pathogenic for Polycystic kidney disease 4. Review status: criteria provided, single submitter. Criteria: ACMG Guidelines, 2015. Collection method: clinical testing. Allele origin: germline. Affected: yes.
Comment: Absent from controls (or at extremely low frequency if recessive) in Genome Aggregation Database, Exome Sequencing Project, 1000 Genomes Project, or Exome Aggregation Consortium.;Null variant in a gene where loss of function (LOF) is a known mechanism of disease.

NM_138694.4(PKHD1):c.2443del (p.Gln815fs)

Gene: PKHD1 (PKHD1 ciliary IPT domain containing fibrocystin/polyductin; minus strand). Cytogenetic location: 6p12.2.
Variant type: Deletion.
Coding change: c.2443del on transcript NM_138694.4 (MANE Select); coding-DNA position 2443, one base deleted (C; older notation c.2443delC).
Protein change: p.Gln815fs; shifts the reading frame from glutamine 815.
Molecular consequence: frameshift variant.
Genome position (GRCh38, 1-based): chr6:52,046,153, G deleted on the plus strand (C on the coding strand, the reverse complement: PKHD1 is on the minus strand); the first of 2 consecutive G bases (chr6:52,046,153-52,046,154); deleting either gives the same sequence. VCF-style (leftmost placement, unchanged base first): chr6-52046152-TG-T. GRCh37 (hg19) VCF-style: chr6-51910950-TG-T.
Other names: c.2443del, p.Gln815fs (NM_170724.3); short protein forms Q815fs.
Identifiers: ClinVar variation 3382986 (VCV003382986.2).